The following is an entry in ClinVar:

ClinVar aggregate classification (germline): Likely benign. Review status: criteria provided, multiple submitters, no conflicts (2 of 4 stars). 2 submissions from 2 submitters: Likely benign (2). Last evaluated 2026-07-23.

Conditions:
BAZ2B-related disorder. Also called: BAZ2B-related condition.
Inborn genetic diseases. Identifiers: MedGen C0950123, MeSH D030342.

Allele frequency attached by ClinVar (database versions not stated): gnomAD exomes 0.00003; ExAC 0.00004; TOPMed 0.00015; ESP Exome Variant Server 0.00017; gnomAD 0.00025.
gnomAD v4.1: 87 of 1,613,794 alleles (0.0054%); highest among the groups gnomAD compares: African/African-American, 0.073%; no homozygotes.

Submissions (2):

PreventionGenetics, part of Exact Sciences
Classification: Likely benign for BAZ2B-related condition. Last evaluated: 2026-07-23. Review status: criteria provided, single submitter. Criteria: ACMG Guidelines, 2015. Collection method: clinical testing. Allele origin: germline.
Comment: This variant is classified as likely benign based on ACMG/AMP sequence variant interpretation guidelines (Richards et al. 2015 PMID: 25741868, with internal and published modifications).

Ambry Genetics
Classification: Likely benign for Inborn genetic diseases. Last evaluated: 2021-09-30. Review status: criteria provided, single submitter. Criteria: Ambry Variant Classification Scheme 2023. Collection method: clinical testing. Allele origin: germline.

NM_013450.4(BAZ2B):c.583A>G (p.Ser195Gly)

Gene: BAZ2B (bromodomain adjacent to zinc finger domain 2B; minus strand). Cytogenetic location: 2q24.2.
Variant type: single nucleotide variant.
Coding change: c.583A>G on transcript NM_013450.4 (MANE Select); coding-DNA position 583, A replaced by G.
Protein change: p.Ser195Gly; replaces serine 195 with glycine.
Molecular consequence: missense variant.
Genome position (GRCh38, 1-based): chr2:159,446,895, T>C on the plus strand (A>G on the coding strand, the complement: BAZ2B is on the minus strand). VCF-style: chr2-159446895-T-C. GRCh37 (hg19) VCF-style: chr2-160303406-T-C.
Other names: c.577A>G, p.Ser193Gly (NM_001289975.1); c.394A>G, p.Ser132Gly (NM_001329857.2); c.583A>G, p.Ser195Gly (NM_001329858.2); short protein forms S132G, S195G, S193G.
Identifiers: ClinVar variation 2340964 (VCV002340964.3), dbSNP rs377242567, ClinGen allele CA1925090.
Genomic context (GRCh38, chr2:159,446,895, plus strand): 5'-CCTGATTACATTTTCGATTTCCTCCACCTGAGCTTGTACTTTTAGTTTGTCCCATGGAAC[T>C]TGAAGCAGTAGTGGATAGTACAGATGTGTTGATACCAATTACAGATGATGTATTACTTCC-3'
Protein context (NP_038478.2, residues 185-205): NTSVLSTTAS[Ser195Gly]SMGQTKSTSS